The following is an entry in ClinVar:

NM_004963.4(GUCY2C):c.182G>T (p.Gly61Val)

Genes: GUCY2C (guanylate cyclase 2C; minus strand), GUCY2C-AS1 (GUCY2C antisense RNA 1; plus strand). Cytogenetic location: 12p12.3.
Variant type: single nucleotide variant.
Coding change: c.182G>T on transcript NM_004963.4 (MANE Select); coding-DNA position 182, G replaced by T.
Protein change: p.Gly61Val; replaces glycine 61 with valine.
Molecular consequence: missense variant.
Genome position (GRCh38, 1-based): chr12:14,696,267, C>A on the plus strand (G>T on the coding strand, the complement: GUCY2C is on the minus strand). VCF-style: chr12-14696267-C-A. GRCh37 (hg19) VCF-style: chr12-14849201-C-A.
Other names: short protein forms G61V.
Identifiers: ClinVar variation 1378779 (VCV001378779.8), dbSNP rs1948653450, ClinGen allele CA384008870.

ClinVar aggregate classification (germline): Uncertain significance (1 of 4 stars; one submission).

Allele frequency attached by ClinVar (database versions not stated): TOPMed below 0.00001.

Submission:

Labcorp Genetics (formerly Invitae), Labcorp
Classification: Uncertain significance. Last evaluated: 2021-03-13. Review status: criteria provided, single submitter. Criteria: Invitae Variant Classification Sherloc (09022015). Collection method: clinical testing. Allele origin: germline.
Comment: This sequence change replaces glycine with valine at codon 61 of the GUCY2C protein (p.Gly61Val). The glycine residue is moderately conserved and there is a moderate physicochemical difference between glycine and valine. This variant is not present in population databases (ExAC no frequency). This variant has not been reported in the literature in individuals with GUCY2C-related conditions. Algorithms developed to predict the effect of missense changes on protein structure and function are either unavailable or do not agree on the potential impact of this missense change (SIFT: "Deleterious"; PolyPhen-2: "Possibly Damaging"; Align-GVGD: "Class C0"). Algorithms developed to predict the effect of sequence changes on RNA splicing suggest that this variant may create or strengthen a splice site, but this prediction has not been confirmed by published transcriptional studies. In summary, the available evidence is currently insufficient to determine the role of this variant in disease. Therefore, it has been classified as a Variant of Uncertain Significance.